The following is an entry in ClinVar:

NM_001291303.3(FAT4):c.5987A>G (p.Lys1996Arg)

Gene: FAT4 (FAT atypical cadherin 4; plus strand). Cytogenetic location: 4q28.1.
Variant type: single nucleotide variant.
Coding change: c.5987A>G on transcript NM_001291303.3 (MANE Select); coding-DNA position 5987, A replaced by G.
Protein change: p.Lys1996Arg; replaces lysine 1996 with arginine.
Molecular consequence: missense variant.
Genome position (GRCh38, 1-based): chr4:125,414,950, A>G. VCF-style: chr4-125414950-A-G. GRCh37 (hg19) VCF-style: chr4-126336105-A-G.
Other names: c.5987A>G, p.Lys1996Arg (NM_001291285.3, NM_024582.6); short protein forms K1996R.
Identifiers: ClinVar variation 435175 (VCV000435175.44), dbSNP rs140055438, ClinGen allele CA3072850.

ClinVar aggregate classification (germline): Conflicting classifications of pathogenicity. Review status: criteria provided, conflicting classifications (1 of 4 stars). 8 submissions from 8 submitters: Uncertain significance (1); Likely benign (4). 3 of the submissions do not count toward it. Last evaluated 2026-06-01.

Conditions:
Inborn genetic diseases. Identifiers: MedGen C0950123, MeSH D030342.
FAT4-related disorder. Also called: FAT4-related condition.

Allele frequency attached by ClinVar (database versions not stated): gnomAD exomes 0.00095 and 0.00146; ExAC 0.00118; ESP Exome Variant Server 0.00192; gnomAD 0.00235 and 0.00242; 1000 Genomes Project 0.00240; 1000 Genomes Project 30x 0.00250; TOPMed 0.00300.
gnomAD v4.1: 1,829 of 1,613,814 alleles (0.11%); highest among the groups gnomAD compares: Middle Eastern, 0.58%; 10 homozygotes.

Submissions (8):

CeGaT Center for Human Genetics Tuebingen
Classification: Likely benign. Last evaluated: 2026-06-01. Review status: criteria provided, single submitter. Criteria: CeGaT Center For Human Genetics Tuebingen Variant Classification Criteria Version 2. Collection method: clinical testing. Allele origin: germline. Affected: yes. Observed: 5 variant alleles.
Comment: FAT4: BP4, BS2

Labcorp Genetics (formerly Invitae), Labcorp
Classification: Likely benign. Last evaluated: 2026-01-18. Review status: criteria provided, single submitter. Criteria: Invitae Variant Classification Sherloc (09022015). Collection method: clinical testing. Allele origin: germline.

Ambry Genetics
Classification: Likely benign for Inborn genetic diseases. Last evaluated: 2022-03-25. Review status: criteria provided, single submitter. Criteria: Ambry Variant Classification Scheme 2023. Collection method: clinical testing. Allele origin: germline.

GeneDx
Classification: Likely benign. Last evaluated: 2021-01-23. Review status: criteria provided, single submitter. Criteria: GeneDx Variant Classification Process June 2021. Collection method: clinical testing. Allele origin: germline. Affected: yes.

Genetic Services Laboratory, University of Chicago
Classification: Uncertain significance. Last evaluated: 2016-09-14. Review status: criteria provided, single submitter. Criteria: ACMG Guidelines, 2015. Collection method: clinical testing. Allele origin: germline. Affected: no.

PreventionGenetics, part of Exact Sciences
Classification: Likely benign for FAT4-related condition. Last evaluated: 2020-03-09. Review status: no assertion criteria provided. Collection method: clinical testing. Allele origin: germline. Not counted in ClinVar's aggregate classification.
Comment: This variant is classified as likely benign based on ACMG/AMP sequence variant interpretation guidelines (Richards et al. 2015 PMID: 25741868, with internal and published modifications).

Clinical Genetics DNA and cytogenetics Diagnostics Lab, Erasmus MC, Erasmus Medical Center
Classification: Likely benign. Review status: no assertion criteria provided. Collection method: clinical testing. Allele origin: germline. Affected: yes. Study: VKGL Data-share Consensus. Not counted in ClinVar's aggregate classification.

Laboratory of Diagnostic Genome Analysis, Leiden University Medical Center (LUMC)
Classification: Likely benign. Review status: no assertion criteria provided. Collection method: clinical testing. Allele origin: germline. Affected: yes. Study: VKGL Data-share Consensus. Not counted in ClinVar's aggregate classification.